The following is an entry in ClinVar:

NM_007194.4(CHEK2):c.830T>G (p.Leu277Trp)

Gene: CHEK2 (checkpoint kinase 2; minus strand). Cytogenetic location: 22q12.1.
Variant type: single nucleotide variant.
Coding change: c.830T>G on transcript NM_007194.4 (MANE Select); coding-DNA position 830, T replaced by G.
Protein change: p.Leu277Trp; replaces leucine 277 with tryptophan.
Molecular consequence: missense variant.
Genome position (GRCh38, 1-based): chr22:28,710,022, A>C on the plus strand (T>G on the coding strand, the complement: CHEK2 is on the minus strand). VCF-style: chr22-28710022-A-C. GRCh37 (hg19) VCF-style: chr22-29106010-A-C.
Other names: c.959T>G, p.Leu320Trp (NM_001005735.3); c.167T>G, p.Leu56Trp (NM_001257387.3); c.629T>G, p.Leu210Trp (NM_001349956.3); c.830T>G, p.Leu277Trp (NM_145862.3); short protein forms L277W, L320W, L210W, L56W.
Identifiers: ClinVar variation 822286 (VCV000822286.6), dbSNP rs1555920150, ClinGen allele CA411102347.

ClinVar aggregate classification (germline): Uncertain significance. Review status: criteria provided, multiple submitters, no conflicts (2 of 4 stars). 2 submissions from 2 submitters: Uncertain significance (2). Last evaluated 2021-07-06.

Conditions:
Hereditary cancer-predisposing syndrome. Also called: Tumor predisposition; Hereditary Cancer Syndrome; Neoplastic Syndromes, Hereditary; Hereditary neoplastic syndrome. Identifiers: Orphanet 140162, MedGen C0027672, MeSH D009386, MONDO:0015356.

Submissions (2):

Ambry Genetics
Classification: Uncertain significance for Hereditary cancer-predisposing syndrome. Last evaluated: 2021-07-06. Review status: criteria provided, single submitter. Criteria: Ambry Variant Classification Scheme 2023. Collection method: clinical testing. Allele origin: germline.
Comment: The p.L277W variant (also known as c.830T>G), located in coding exon 6 of the CHEK2 gene, results from a T to G substitution at nucleotide position 830. The leucine at codon 277 is replaced by tryptophan, an amino acid with similar properties. This amino acid position is highly conserved in available vertebrate species. In addition, this alteration is predicted to be deleterious by in silico analysis. Since supporting evidence is limited at this time, the clinical significance of this alteration remains unclear.

GeneDx
Classification: Uncertain significance. Last evaluated: 2019-10-03. Review status: criteria provided, single submitter. Criteria: GeneDx Variant Classification Process June 2021. Collection method: clinical testing. Allele origin: germline. Affected: yes.
Comment: Not observed in large population cohorts (Lek et al., 2016); In silico analysis, which includes protein predictors and evolutionary conservation, supports a deleterious effect; Has not been previously published as pathogenic or benign to our knowledge